The following is an entry in ClinVar:

NM_000256.3(MYBPC3):c.56T>C (p.Val19Ala)

Gene: MYBPC3 (myosin binding protein C3; minus strand). Cytogenetic location: 11p11.2.
Variant type: single nucleotide variant.
Coding change: c.56T>C on transcript NM_000256.3 (MANE Select); coding-DNA position 56, T replaced by C.
Protein change: p.Val19Ala; replaces valine 19 with alanine.
Molecular consequence: missense variant.
Genome position (GRCh38, 1-based): chr11:47,351,475, A>G on the plus strand (T>C on the coding strand, the complement: MYBPC3 is on the minus strand). VCF-style: chr11-47351475-A-G. GRCh37 (hg19) VCF-style: chr11-47373026-A-G.
Other names: short protein forms V19A.
Identifiers: ClinVar variation 1039018 (VCV001039018.9), dbSNP rs1247917628, ClinGen allele CA380342015.
Genomic context (GRCh38, chr11:47,351,475, plus strand): 5'-TTCACTCCTGCCCGCTCTGTCTCGGCCTCGAACACGGCAGGGCTGCCTGCGGCCACTTCC[A>G]CTGACCGTGGCTTCTTGCTAAAAGCTGAGACTGAAGGGCCAGGTGGAGGCTACAGCGGCC-3'
Protein context (NP_000247.2, residues 9-29): VSAFSKKPRS[Val19Ala]EVAAGSPAVF

ClinVar aggregate classification (germline): Conflicting classifications of pathogenicity. Review status: criteria provided, conflicting classifications (1 of 4 stars). 3 submissions from 3 submitters: Uncertain significance (2); Likely benign (1). Last evaluated 2025-09-04.

Conditions:
Cardiomyopathy (CMYO). Also called: Cardiomyopathies. Identifiers: Orphanet 167848, MedGen C0878544, MONDO:0004994, HP:0001638. Inheritance: Various modes of inheritance.
Hypertrophic cardiomyopathy. Also called: HYPERTROPHIC MYOCARDIOPATHY. Identifiers: Orphanet 217569, MedGen C0007194, MeSH D002312, MONDO:0005045, HP:0001639.

Allele frequency attached by ClinVar (database versions not stated): gnomAD 0.00001; gnomAD exomes 0.00001.
gnomAD v4.1: 12 of 1,593,800 alleles (0.00075%); highest among the groups gnomAD compares: Admixed American, 0.0034%; no homozygotes.

Submissions (3):

Color Diagnostics, LLC DBA Color Health
Classification: Likely benign for Cardiomyopathy. Last evaluated: 2025-09-04. Review status: criteria provided, single submitter. Criteria: ACMG Guidelines, 2015. Collection method: clinical testing. Allele origin: germline.

Labcorp Genetics (formerly Invitae), Labcorp
Classification: Uncertain significance for Hypertrophic cardiomyopathy. Last evaluated: 2024-11-03. Review status: criteria provided, single submitter. Criteria: Invitae Variant Classification Sherloc (09022015). Collection method: clinical testing. Allele origin: germline.
Comment: This sequence change replaces valine, which is neutral and non-polar, with alanine, which is neutral and non-polar, at codon 19 of the MYBPC3 protein (p.Val19Ala). The frequency data for this variant in the population databases is considered unreliable, as metrics indicate poor data quality at this position in the gnomAD database. This variant has not been reported in the literature in individuals affected with MYBPC3-related conditions. ClinVar contains an entry for this variant (Variation ID: 1039018). An algorithm developed to predict the effect of missense changes on protein structure and function outputs the following: PolyPhen-2: "Benign". The alanine amino acid residue is found in multiple mammalian species, which suggests that this missense change does not adversely affect protein function. In summary, the available evidence is currently insufficient to determine the role of this variant in disease. Therefore, it has been classified as a Variant of Uncertain Significance.

All of Us Research Program, National Institutes of Health
Classification: Uncertain significance for Hypertrophic cardiomyopathy. Last evaluated: 2023-12-01. Review status: criteria provided, single submitter. Criteria: ACMG Guidelines, 2015. Collection method: clinical testing. Allele origin: germline. Inheritance: Autosomal dominant inheritance. Observed: 3 variant alleles, 3 heterozygotes.
Comment: This missense variant replaces valine with alanine at codon 19 of the MYBPC3 protein. Computational prediction suggests that this variant may not impact protein structure and function (internally defined REVEL score threshold <= 0.5, PMID: 27666373). To our knowledge, functional studies have not been reported for this variant. This variant has been reported in an individual affected with dilated cardiomyopathy; this individual also carried a truncating variant in the TTN gene (PMID: 33190517). This variant has not been identified in the general population by the Genome Aggregation Database (gnomAD). The available evidence is insufficient to determine the role of this variant in disease conclusively. Therefore, this variant is classified as a Variant of Uncertain Significance.

This study involves interpretation of variants in research participants for the purpose of population health screening. Participant phenotype was not available at the time of variant classification. Additional details can be found in publication PMID: 35346344, PMCID: PMC8962531

Literature cited by the submitters: PubMed 33190517 (cited by All of Us Research Program, National Institutes of Health).